The following is an entry in ClinVar:

NM_003906.5(MCM3AP):c.4453C>T (p.Gln1485Ter)

Genes: MCM3AP (minichromosome maintenance complex component 3 associated protein; minus strand), MCM3AP-AS1 (MCM3AP antisense RNA 1; plus strand). Cytogenetic location: 21q22.3.
Variant type: single nucleotide variant.
Coding change: c.4453C>T on transcript NM_003906.5 (MANE Select); coding-DNA position 4453, C replaced by T.
Protein change: p.Gln1485Ter; replaces glutamine 1485 with a stop codon.
Molecular consequence: nonsense.
Genome position (GRCh38, 1-based): chr21:46,246,724, G>A on the plus strand (C>T on the coding strand, the complement: MCM3AP is on the minus strand). VCF-style: chr21-46246724-G-A. GRCh37 (hg19) VCF-style: chr21-47666638-G-A.
Other names: short protein forms Q1485*.
Identifiers: ClinVar variation 2717840 (VCV002717840.3), dbSNP rs2517328173, ClinGen allele CA410545266.

ClinVar aggregate classification (germline): Pathogenic (1 of 4 stars; one submission).

Submission:

Labcorp Genetics (formerly Invitae), Labcorp
Classification: Pathogenic. Last evaluated: 2023-12-12. Review status: criteria provided, single submitter. Criteria: Invitae Variant Classification Sherloc (09022015). Collection method: clinical testing. Allele origin: germline.
Comment: This sequence change creates a premature translational stop signal (p.Gln1485*) in the MCM3AP gene. It is expected to result in an absent or disrupted protein product. Loss-of-function variants in MCM3AP are known to be pathogenic (PMID: 28633435). This variant is not present in population databases (gnomAD no frequency). This variant has not been reported in the literature in individuals affected with MCM3AP-related conditions. Algorithms developed to predict the effect of sequence changes on RNA splicing suggest that this variant may disrupt the consensus splice site. For these reasons, this variant has been classified as Pathogenic.

Literature cited by the submitters: PubMed 28633435.